The following is an entry in ClinVar:

ClinVar aggregate classification (germline): Likely benign. Review status: criteria provided, single submitter (1 of 4 stars). 2 submissions from 2 submitters: Likely benign (1). 1 of the submissions does not count toward it. Last evaluated 2023-08-01.

Conditions:
TTC12-related disorder. Also called: TTC12-related condition.

Allele frequency attached by ClinVar (database versions not stated): 1000 Genomes Project 30x 0.00047; 1000 Genomes Project 0.00060; ESP Exome Variant Server 0.00139; gnomAD 0.00149; TOPMed 0.00150; ExAC 0.00160; gnomAD exomes 0.00234.
gnomAD v4.1: 3,623 of 1,612,136 alleles (0.22%); highest among the groups gnomAD compares: Non-Finnish European, 0.28%; 10 homozygotes.

Submissions (6):

CeGaT Center for Human Genetics Tuebingen
Classification: Likely benign. Last evaluated: 2023-08-01. Review status: criteria provided, single submitter. Criteria: CeGaT Center For Human Genetics Tuebingen Variant Classification Criteria Version 2. Collection method: clinical testing. Allele origin: germline. Affected: yes. Observed: 1 variant allele.
Comment: TTC12: BP4

PreventionGenetics, part of Exact Sciences
Classification: Likely benign for TTC12-related condition. Last evaluated: 2022-04-01. Review status: no assertion criteria provided. Collection method: clinical testing. Allele origin: germline. Not counted in ClinVar's aggregate classification.
Comment: This variant is classified as likely benign based on ACMG/AMP sequence variant interpretation guidelines (Richards et al. 2015 PMID: 25741868, with internal and published modifications).

Dr. Peter K. Rogan Lab, Western University
No classification provided (evidence only). Condition: Lung cancer. Review status: no classification provided. Collection method: in vitro. Allele origin: not applicable. Functional consequence: retained intron. Not counted in ClinVar's aggregate classification.

Dr. Peter K. Rogan Lab, Western University
No classification provided (evidence only). Condition: Familial cancer of breast. Review status: no classification provided. Collection method: in vitro. Allele origin: not applicable. Functional consequence: retained intron. Not counted in ClinVar's aggregate classification.

Dr. Peter K. Rogan Lab, Western University
No classification provided (evidence only). Condition: Ovarian serous cystadenocarcinoma. Review status: no classification provided. Collection method: in vitro. Allele origin: not applicable. Functional consequence: retained intron. Not counted in ClinVar's aggregate classification.

Dr. Peter K. Rogan Lab, Western University
No classification provided (evidence only). Condition: Ovarian serous cystadenocarcinoma. Review status: no classification provided. Collection method: in vitro. Allele origin: not applicable. Functional consequence: retained intron. Not counted in ClinVar's aggregate classification.

NM_017868.4(TTC12):c.2042+6C>G

Gene: TTC12 (tetratricopeptide repeat domain 12; plus strand). Cytogenetic location: 11q23.2.
Variant type: single nucleotide variant.
Coding change: c.2042+6C>G on transcript NM_017868.4 (MANE Select); 6 bases into the intron after coding-DNA position 2042, C replaced by G.
Molecular consequence: intron variant.
Genome position (GRCh38, 1-based): chr11:113,365,066, C>G. VCF-style: chr11-113365066-C-G. GRCh37 (hg19) VCF-style: chr11-113235788-C-G.
Other names: NC_000011.9:g.113235788C>G; c.2060+6C>G (NM_001318533.1, NM_001318533.2); c.2042+6C>G (NM_001378064.1, NM_001378065.1); c.2045+6C>G (NM_001378063.1); c.1967+6C>G (NM_001352037.2).
Identifiers: ClinVar variation 2642379 (VCV002642379.26), dbSNP rs143340523, ClinGen allele CA6280377.